The following is an entry in ClinVar:

NM_022436.3(ABCG5):c.1511C>G (p.Ala504Gly)

Genes: ABCG5 (ATP binding cassette subfamily G member 5; minus strand), DYNC2LI1 (dynein cytoplasmic 2 light intermediate chain 1; plus strand). Cytogenetic location: 2p21.
Variant type: single nucleotide variant.
Coding change: c.1511C>G on transcript NM_022436.3 (MANE Select); coding-DNA position 1511, C replaced by G.
Protein change: p.Ala504Gly; replaces alanine 504 with glycine.
Molecular consequence: missense variant. On other transcripts: intron variant (2).
Genome position (GRCh38, 1-based): chr2:43,820,053, G>C on the plus strand (C>G on the coding strand, the complement: ABCG5 is on the minus strand). VCF-style: chr2-43820053-G-C. GRCh37 (hg19) VCF-style: chr2-44047192-G-C.
Other names: c.*16-7333G>C (NM_001348913.2, NM_001348912.2); short protein forms A504G.
Identifiers: ClinVar variation 3992525 (VCV003992525.1).
Genomic context (GRCh38, chr2:43,820,053, plus strand): 5'-ACGATACCAAGTAGCACAAGAGTTAGAAATTCACCAATTAAGTGGGGGGCCAAGAGAGCA[G>C]CAGAAAAATATCCAAATCGGGCAACCTCAGGATGTAAGCCCAGCGTCCTAGAAAAGCATA-3'
Protein context (NP_071881.1, residues 494-514): PEVARFGYFS[Ala504Gly]ALLAPHLIGE

ClinVar aggregate classification (germline): Uncertain significance (1 of 4 stars; one submission).

Conditions:
Cardiovascular phenotype. Identifiers: MedGen CN230736.

gnomAD v4.1: 2 of 1,614,058 alleles (0.00012%); highest among the groups gnomAD compares: Non-Finnish European, 0.00017%; no homozygotes.

Submission:

Ambry Genetics
Classification: Uncertain significance for Cardiovascular phenotype. Last evaluated: 2025-03-31. Review status: criteria provided, single submitter. Criteria: Ambry Variant Classification Scheme 2023. Collection method: clinical testing. Allele origin: germline.
Comment: The p.A504G variant (also known as c.1511C>G), located in coding exon 11 of the ABCG5 gene, results from a C to G substitution at nucleotide position 1511. The alanine at codon 504 is replaced by glycine, an amino acid with similar properties. This amino acid position is conserved. In addition, this alteration is predicted to be tolerated by in silico analysis. Based on the available evidence, the clinical significance of this variant remains unclear.